The following is an entry in ClinVar:

ClinVar aggregate classification (germline): Uncertain significance (1 of 4 stars; one submission).

gnomAD v4.1: 2 of 1,592,726 alleles (0.00013%); no homozygotes.

Submission:

Labcorp Genetics (formerly Invitae), Labcorp
Classification: Uncertain significance. Last evaluated: 2021-11-18. Review status: criteria provided, single submitter. Criteria: Invitae Variant Classification Sherloc (09022015). Collection method: clinical testing. Allele origin: germline.
Comment: In summary, the available evidence is currently insufficient to determine the role of this variant in disease. Therefore, it has been classified as a Variant of Uncertain Significance. Algorithms developed to predict the effect of missense changes on protein structure and function (SIFT, PolyPhen-2, Align-GVGD) all suggest that this variant is likely to be tolerated. This variant has not been reported in the literature in individuals affected with PEPD-related conditions. The frequency data for this variant in the population databases is considered unreliable, as metrics indicate poor data quality at this position in the gnomAD database. This sequence change replaces arginine, which is basic and polar, with glycine, which is neutral and non-polar, at codon 437 of the PEPD protein (p.Arg437Gly).

NM_000285.4(PEPD):c.1309C>G (p.Arg437Gly)

Gene: PEPD (peptidase D; minus strand). Cytogenetic location: 19q13.11.
Variant type: single nucleotide variant.
Coding change: c.1309C>G on transcript NM_000285.4 (MANE Select); coding-DNA position 1309, C replaced by G.
Protein change: p.Arg437Gly; replaces arginine 437 with glycine.
Molecular consequence: missense variant.
Genome position (GRCh38, 1-based): chr19:33,387,925, G>C on the plus strand (C>G on the coding strand, the complement: PEPD is on the minus strand). VCF-style: chr19-33387925-G-C. GRCh37 (hg19) VCF-style: chr19-33878831-G-C.
Other names: c.1186C>G, p.Arg396Gly (NM_001166056.2); c.1117C>G, p.Arg373Gly (NM_001166057.2); short protein forms R373G, R396G, R437G.
Identifiers: ClinVar variation 1346611 (VCV001346611.6), dbSNP rs376372688, ClinGen allele CA405220234.